The following is an entry in ClinVar:

NM_001111.5(ADAR):c.3020-1G>A

Gene: ADAR (adenosine deaminase RNA specific; minus strand). Cytogenetic location: 1q21.3.
Variant type: single nucleotide variant.
Coding change: c.3020-1G>A on transcript NM_001111.5 (MANE Select); the canonical splice acceptor site of the intron before coding-DNA position 3020, G replaced by A.
Molecular consequence: splice acceptor variant.
Genome position (GRCh38, 1-based): chr1:154,586,364, C>T on the plus strand (G>A on the coding strand, the complement: ADAR is on the minus strand). VCF-style: chr1-154586364-C-T. GRCh37 (hg19) VCF-style: chr1-154558840-C-T.
Other names: c.2135-1G>A (NM_001365046.1, NM_001025107.3, NM_001365048.1 and 2 more transcripts); c.3047-1G>A (NM_001365045.1); c.2057-1G>A (NM_001365049.1); c.2885-1G>A (NM_015841.4); c.2942-1G>A (NM_015840.4).
Identifiers: ClinVar variation 4783518 (VCV004783518.1).

ClinVar aggregate classification (germline): Pathogenic (1 of 4 stars; one submission).

Conditions:
Aicardi-Goutieres syndrome 6 (AGS6). Identifiers: Orphanet 51, MedGen C3539013, MONDO:0014007, OMIM 615010.
Symmetrical dyschromatosis of extremities (DSH). Also called: Dyschromatosis symmetrica hereditaria; DYSCHROMATOSIS SYMMETRICA HEREDITARIA 1; RETICULATE ACROPIGMENTATION OF DOHI; SYMMETRIC DYSCHROMATOSIS OF THE EXTREMITIES. Identifiers: Orphanet 41, MedGen C0406775, MONDO:0007483, OMIM 127400.

Submission:

Labcorp Genetics (formerly Invitae), Labcorp
Classification: Pathogenic for Aicardi-Goutieres syndrome 6; Symmetrical dyschromatosis of extremities. Last evaluated: 2025-02-10. Review status: criteria provided, single submitter. Criteria: Invitae Variant Classification Sherloc (09022015). Collection method: clinical testing. Allele origin: germline.
Comment: This sequence change affects an acceptor splice site in intron 11 of the ADAR gene. RNA analysis indicates that disruption of this splice site induces altered splicing and may result in an absent or altered protein product. This variant is not present in population databases (gnomAD no frequency). Disruption of this splice site has been observed in individual(s) with dyschromatosis symmetrica hereditaria (PMID: 21933234, 27230815). It has also been observed to segregate with disease in related individuals. Studies have shown that disruption of this splice site results in skipping of exon 12, and produces a non-functional protein and/or introduces a premature termination codon (PMID: 27230815). For these reasons, this variant has been classified as Pathogenic.

Literature cited by the submitters: PubMed 21933234; PubMed 27230815.